The following is an entry in ClinVar:

NM_022039.4(FBXW4):c.1186A>G (p.Ile396Val)

Gene: FBXW4 (F-box and WD repeat domain containing 4; minus strand). Cytogenetic location: 10q24.32.
Variant type: single nucleotide variant.
Coding change: c.1186A>G on transcript NM_022039.4 (MANE Select); coding-DNA position 1186, A replaced by G.
Protein change: p.Ile396Val; replaces isoleucine 396 with valine.
Molecular consequence: missense variant.
Genome position (GRCh38, 1-based): chr10:101,667,935, T>C on the plus strand (A>G on the coding strand, the complement: FBXW4 is on the minus strand). VCF-style: chr10-101667935-T-C. GRCh37 (hg19) VCF-style: chr10-103427692-T-C.
Other names: c.460A>G, p.Ile154Val (NM_001323541.2); short protein forms I396V, I154V.
Identifiers: ClinVar variation 3665833 (VCV003665833.2).

ClinVar aggregate classification (germline): Uncertain significance (1 of 4 stars; one submission).

Submission:

Labcorp Genetics (formerly Invitae), Labcorp
Classification: Uncertain significance. Last evaluated: 2024-04-16. Review status: criteria provided, single submitter. Criteria: Invitae Variant Classification Sherloc (09022015). Collection method: clinical testing. Allele origin: germline.
Comment: This sequence change replaces isoleucine, which is neutral and non-polar, with valine, which is neutral and non-polar, at codon 241 of the FBXW4 protein (p.Ile241Val). This variant is present in population databases (rs377180481, gnomAD 0.006%). This variant has not been reported in the literature in individuals affected with FBXW4-related conditions. An algorithm developed to predict the effect of missense changes on protein structure and function (PolyPhen-2) suggests that this variant is likely to be tolerated. In summary, the available evidence is currently insufficient to determine the role of this variant in disease. Therefore, it has been classified as a Variant of Uncertain Significance.